The following is an entry in ClinVar:

ClinVar aggregate classification (germline): Likely benign (1 of 4 stars; one submission).

Submission:

GeneDx
Classification: Likely benign. Last evaluated: 2022-02-07. Review status: criteria provided, single submitter. Criteria: GeneDx Variant Classification Process June 2021. Collection method: clinical testing. Allele origin: germline. Affected: yes.
Comment: See Variant Classification Assertion Criteria.

NM_018429.3(BDP1):c.599+49_599+53dup

Gene: BDP1 (B double prime 1, subunit of RNA polymerase III transcription initiation factor IIIB; plus strand). Cytogenetic location: 5q13.2.
Variant type: Duplication.
Coding change: c.599+49_599+53dup on transcript NM_018429.3 (MANE Select); bases 49 to 53 of the intron after coding-DNA position 599, 5 bases duplicated (TTTTT; older notation c.599+49_599+53dupTTTTT).
Molecular consequence: intron variant.
Genome position (GRCh38, 1-based): chr5:71,461,975-71,461,979, TTTTT duplicated; duplicating any 5 consecutive bases within chr5:71,461,959-71,461,979 gives the same sequence; the c. name uses the placement nearest the transcript's 3' end. VCF-style (leftmost placement, unchanged base first): chr5-71461958-C-CTTTTT. GRCh37 (hg19) VCF-style: chr5-70757785-C-CTTTTT.
Identifiers: ClinVar variation 1700524 (VCV001700524.2), dbSNP rs370261571, ClinGen allele CA560303676.